The following is an entry in ClinVar:

ClinVar aggregate classification (germline): Conflicting classifications of pathogenicity. Review status: criteria provided, conflicting classifications (1 of 4 stars). 2 submissions from 2 submitters: Likely pathogenic (1); Uncertain significance (1). Last evaluated 2024-02-29.

Conditions:
Pigmentary pallidal degeneration (NBIA1). Also called: PKAN NEUROAXONAL DYSTROPHY, JUVENILE-ONSET; Pantothenate Kinase-Associated Neurodegeneration; Neurodegeneration with brain iron accumulation 1; HARP SYNDROME; Neuroaxonal dystrophy, late infantile; Hallervorden-Spatz disease. Identifiers: Orphanet 157850, MedGen C0018523, MONDO:0009319, OMIM 234200.

gnomAD v4.1: 21 of 1,595,058 alleles (0.0013%); highest among the groups gnomAD compares: Admixed American, 0.0067%; no homozygotes.

Submissions (3):

Fulgent Genetics
Classification: Likely pathogenic for Pigmentary pallidal degeneration. Last evaluated: 2024-02-29. Review status: criteria provided, single submitter. Criteria: ACMG Guidelines, 2015. Collection method: clinical testing. Allele origin: germline.

GeneDx
Classification: Uncertain significance. Last evaluated: 2023-12-15. Review status: criteria provided, single submitter. Criteria: GeneDx Variant Classification Process June 2021. Collection method: clinical testing. Allele origin: germline. Affected: yes.
Comment: Reported previously in a patient with atypical PKAN presentation who also harbored a second variant (phase unknown) (PMID: 22221393); In silico analysis supports a deleterious effect on splicing; Not observed at significant frequency in large population cohorts (gnomAD); This variant is associated with the following publications: (PMID: 22221393)

Dr. Peter K. Rogan Lab, Western University
No classification provided (evidence only). Condition: Lung cancer. Review status: no classification provided. Collection method: in vitro. Allele origin: not applicable. Functional consequence: retained intron. Not counted in ClinVar's aggregate classification.

NM_001386393.1(PANK2):c.298+5G>C

Genes: PANK2 (pantothenate kinase 2; plus strand), LOC130065345 (ATAC-STARR-seq lymphoblastoid silent region 12635; plus strand). Cytogenetic location: 20p13.
Variant type: single nucleotide variant.
Coding change: c.298+5G>C on transcript NM_001386393.1 (MANE Select); 5 bases into the intron after coding-DNA position 298, G replaced by C.
Molecular consequence: intron variant.
Genome position (GRCh38, 1-based): chr20:3,889,733, G>C. VCF-style: chr20-3889733-G-C. GRCh37 (hg19) VCF-style: chr20-3870380-G-C.
Other names: NC_000020.10:g.3870380G>C; c.-246+829G>C (NM_024960.6); c.628+5G>C (NM_153638.4, NM_001324192.1); c.-414+5G>C (NM_001324191.2).
Identifiers: ClinVar variation 3340409 (VCV003340409.3).